The following is an entry in ClinVar:

NM_207361.6(FREM2):c.7264G>A (p.Ala2422Thr)

Gene: FREM2 (FRAS1 related extracellular matrix 2; plus strand). Cytogenetic location: 13q13.3.
Variant type: single nucleotide variant.
Coding change: c.7264G>A on transcript NM_207361.6 (MANE Select); coding-DNA position 7264, G replaced by A.
Protein change: p.Ala2422Thr; replaces alanine 2422 with threonine.
Molecular consequence: missense variant.
Genome position (GRCh38, 1-based): chr13:38,859,335, G>A. VCF-style: chr13-38859335-G-A. GRCh37 (hg19) VCF-style: chr13-39433472-G-A.
Other names: short protein forms A2422T.
Identifiers: ClinVar variation 2130183 (VCV002130183.4), dbSNP rs1877672541, ClinGen allele CA387898277.
Genomic context (GRCh38, chr13:38,859,335, plus strand): 5'-TGTTTTCCGTAGGCTTGCAACCCCAAATATTCAGACTACGATAAAACAGGCTCTATCTGT[G>A]CAAGTGAGAACATCAATGACACTTTGACGCGGTACCGGTGGCTGATTAGTGCACCTGCGG-3'
Protein context (NP_997244.4, residues 2412-2432): SDYDKTGSIC[Ala2422Thr]SENINDTLTR

ClinVar aggregate classification (germline): Uncertain significance (1 of 4 stars; one submission).

Allele frequency attached by ClinVar (database versions not stated): gnomAD exomes below 0.00001; gnomAD 0.00001.
gnomAD v4.1: 5 of 1,614,054 alleles (0.00031%); highest among the groups gnomAD compares: Non-Finnish European, 0.00042%; no homozygotes.

Submission:

Labcorp Genetics (formerly Invitae), Labcorp
Classification: Uncertain significance. Last evaluated: 2022-09-01. Review status: criteria provided, single submitter. Criteria: Invitae Variant Classification Sherloc (09022015). Collection method: clinical testing. Allele origin: germline.
Comment: This variant has not been reported in the literature in individuals affected with FREM2-related conditions. In summary, the available evidence is currently insufficient to determine the role of this variant in disease. Therefore, it has been classified as a Variant of Uncertain Significance. Algorithms developed to predict the effect of missense changes on protein structure and function output the following: SIFT: "Deleterious"; PolyPhen-2: "Benign"; Align-GVGD: "Class C0". The threonine amino acid residue is found in multiple mammalian species, which suggests that this missense change does not adversely affect protein function. This variant is not present in population databases (gnomAD no frequency). This sequence change replaces alanine, which is neutral and non-polar, with threonine, which is neutral and polar, at codon 2422 of the FREM2 protein (p.Ala2422Thr).